The following is an entry in ClinVar:

ClinVar aggregate classification (germline): Likely benign (0 of 4 stars; one submission).

Conditions:
SMAD6-related disease. Also called: SMAD6-related condition; SMAD6-related disorder. Identifiers: MedGen CN381596, MONDO:0700324.

Submission:

PreventionGenetics, part of Exact Sciences
Classification: Likely benign for SMAD6-related condition. Last evaluated: 2020-04-02. Review status: no assertion criteria provided. Collection method: clinical testing. Allele origin: germline.
Comment: This variant is classified as likely benign based on ACMG/AMP sequence variant interpretation guidelines (Richards et al. 2015 PMID: 25741868, with internal and published modifications).

NM_005585.5(SMAD6):c.198G>C (p.Arg66=)

Gene: SMAD6 (SMAD family member 6; plus strand). Cytogenetic location: 15q22.31.
Variant type: single nucleotide variant.
Coding change: c.198G>C on transcript NM_005585.5 (MANE Select); coding-DNA position 198, G replaced by C.
Protein change: p.Arg66=; no amino-acid change (arginine 66 retained).
Molecular consequence: synonymous variant. On other transcripts: non-coding transcript variant (1).
Genome position (GRCh38, 1-based): chr15:66,703,456, G>C. VCF-style: chr15-66703456-G-C. GRCh37 (hg19) VCF-style: chr15-66995794-G-C.
Identifiers: ClinVar variation 3045107 (VCV003045107.2), dbSNP rs2545310900, ClinGen allele CA490907958.